The following is an entry in ClinVar:

ClinVar aggregate classification (germline): Uncertain significance. Review status: criteria provided, multiple submitters, no conflicts (2 of 4 stars). 2 submissions from 2 submitters: Uncertain significance (2). Last evaluated 2022-04-26.

Allele frequency attached by ClinVar (database versions not stated): gnomAD 0.00001; gnomAD exomes 0.00002.
gnomAD v4.1: 26 of 1,548,022 alleles (0.0017%); highest among the groups gnomAD compares: Non-Finnish European, 0.0022%; no homozygotes.

Submissions (2):

Labcorp Genetics (formerly Invitae), Labcorp
Classification: Uncertain significance. Last evaluated: 2022-04-26. Review status: criteria provided, single submitter. Criteria: Invitae Variant Classification Sherloc (09022015). Collection method: clinical testing. Allele origin: germline.
Comment: This sequence change replaces glycine, which is neutral and non-polar, with serine, which is neutral and polar, at codon 320 of the ARPC1B protein (p.Gly320Ser). This variant is present in population databases (no rsID available, gnomAD 0.003%). This variant has not been reported in the literature in individuals affected with ARPC1B-related conditions. Algorithms developed to predict the effect of missense changes on protein structure and function output the following: SIFT: "Tolerated"; PolyPhen-2: "Benign"; Align-GVGD: "Class C0". The serine amino acid residue is found in multiple mammalian species, which suggests that this missense change does not adversely affect protein function. In summary, the available evidence is currently insufficient to determine the role of this variant in disease. Therefore, it has been classified as a Variant of Uncertain Significance.

Blueprint Genetics
Classification: Uncertain significance. Last evaluated: 2020-02-05. Review status: criteria provided, single submitter. Criteria: ACMG Guidelines, 2015. Collection method: clinical testing. Allele origin: germline.

NM_005720.4(ARPC1B):c.958G>A (p.Gly320Ser)

Gene: ARPC1B (actin related protein 2/3 complex subunit 1B; plus strand). Cytogenetic location: 7q22.1.
Variant type: single nucleotide variant.
Coding change: c.958G>A on transcript NM_005720.4 (MANE Select); coding-DNA position 958, G replaced by A.
Protein change: p.Gly320Ser; replaces glycine 320 with serine.
Molecular consequence: missense variant.
Genome position (GRCh38, 1-based): chr7:99,392,845, G>A. VCF-style: chr7-99392845-G-A. GRCh37 (hg19) VCF-style: chr7-98990468-G-A.
Other names: short protein forms G320S.
Identifiers: ClinVar variation 1923988 (VCV001923988.3), dbSNP rs1237274510, ClinGen allele CA368329353.